The following is an entry in ClinVar:

ClinVar aggregate classification (germline): Pathogenic (1 of 4 stars; one submission).

Conditions:
Hereditary cancer-predisposing syndrome. Also called: Neoplastic Syndromes, Hereditary; Tumor predisposition; Hereditary Cancer Syndrome; Hereditary neoplastic syndrome. Identifiers: Orphanet 140162, MedGen C0027672, MeSH D009386, MONDO:0015356.

Submission:

Ambry Genetics
Classification: Pathogenic for Hereditary cancer-predisposing syndrome. Last evaluated: 2026-01-12. Review status: criteria provided, single submitter. Criteria: Ambry Variant Classification Scheme 2023. Collection method: clinical testing. Allele origin: germline.
Comment: The c.1897_1898insTG pathogenic mutation, located in coding exon 19 of the RB1 gene, results from an insertion of two nucleotides at position 1897, causing a translational frameshift with a predicted alternate stop codon (p.T633Mfs*11). This variant is considered to be rare based on population cohorts in the Genome Aggregation Database (gnomAD). This alteration is expected to result in loss of function by premature protein truncation or nonsense-mediated mRNA decay. As such, this alteration is interpreted as a disease-causing mutation.

NM_000321.3(RB1):c.1897_1898insTG (p.Thr633fs)

Gene: RB1 (RB transcriptional corepressor 1; plus strand). Cytogenetic location: 13q14.2.
Variant type: Insertion.
Coding change: c.1897_1898insTG on transcript NM_000321.3 (MANE Select); coding-DNA positions 1897 to 1898, TG inserted.
Protein change: p.Thr633fs; shifts the reading frame from threonine 633.
Molecular consequence: frameshift variant.
Genome position: GRCh38 VCF-style: chr13-48456286-A-ATG. GRCh37 (hg19) VCF-style: chr13-49030422-A-ATG.
Other names: c.1897_1898insTG, p.Thr633fs (NM_001407165.1); short protein forms T633fs.
Identifiers: ClinVar variation 4842603 (VCV004842603.1).
Genomic context (GRCh38, chr13:48,456,286, plus strand): 5'-CCAAAGAAAAAAGGTTCAACTACGCGTGTAAATTCTACTGCAAATGCAGAGACACAAGCA[A>ATG]CCTCAGCCTTCCAGACCCAGAAGCCATTGAAATCTACCTCTCTTTCACTGTTTTATAAAA-3'